The following is an entry in ClinVar:

ClinVar aggregate classification (germline): Likely pathogenic (1 of 4 stars; one submission).

Conditions:
Dilated cardiomyopathy 1G (CMD1G). Identifiers: Orphanet 154, MedGen C1858763, MONDO:0011400, OMIM 604145.
Autosomal recessive limb-girdle muscular dystrophy type 2J (LGMDR10). Also called: Limb-girdle muscular dystrophy, type 2J; MUSCULAR DYSTROPHY, LIMB-GIRDLE, AUTOSOMAL RECESSIVE 10. Identifiers: Orphanet 140922, MedGen C1837342, MONDO:0012127, OMIM 608807.

Submission:

Labcorp Genetics (formerly Invitae), Labcorp
Classification: Likely pathogenic for Dilated cardiomyopathy 1G; Autosomal recessive limb-girdle muscular dystrophy type 2J. Last evaluated: 2024-11-04. Review status: criteria provided, single submitter. Criteria: Invitae Variant Classification Sherloc (09022015). Collection method: clinical testing. Allele origin: germline.
Comment: This sequence change creates a premature translational stop signal (p.Trp3090*) in the TTN gene. While this is not anticipated to result in nonsense mediated decay, it is expected to create a truncated TTN protein. This variant is not present in population databases (gnomAD no frequency). This variant has not been reported in the literature in individuals affected with TTN-related conditions. ClinVar contains an entry for this variant (Variation ID: 1062914). This variant is located in the I band of TTN (PMID: 25589632). Truncating variants in this region have been reported in individuals affected with autosomal recessive centronuclear myopathy (PMID: 23975875, internal data). Truncating variants in this region have also been identified in individuals affected with autosomal dominant dilated cardiomyopathy and/or cardio-related conditions (PMID: 27869827, 32964742, internal data). In summary, the currently available evidence indicates that the variant is pathogenic, but additional data are needed to prove that conclusively. Therefore, this variant has been classified as Likely Pathogenic.

Literature cited by the submitters: PubMed 25589632; PubMed 23975875; PubMed 27869827; PubMed 32964742.

NM_001267550.2(TTN):c.9270G>A (p.Trp3090Ter)

Gene: TTN (titin; minus strand). Cytogenetic location: 2q31.2.
Variant type: single nucleotide variant.
Coding change: c.9270G>A on transcript NM_001267550.2 (MANE Select); coding-DNA position 9270, G replaced by A.
Protein change: p.Trp3090Ter; replaces tryptophan 3090 with a stop codon.
Molecular consequence: nonsense.
Genome position (GRCh38, 1-based): chr2:178,768,049, C>T on the plus strand (G>A on the coding strand, the complement: TTN is on the minus strand). VCF-style: chr2-178768049-C-T. GRCh37 (hg19) VCF-style: chr2-179632776-C-T.
Other names: c.9270G>A, p.Trp3090Ter (NM_001256850.1, NM_133378.4, NM_133379.5); c.9132G>A, p.Trp3044Ter (NM_003319.4, NM_133432.3, NM_133437.4); short protein forms W3044*, W3090*.
Identifiers: ClinVar variation 1062914 (VCV001062914.7), dbSNP rs2154341535, ClinGen allele CA349675539.